The following is an entry in ClinVar:

ClinVar aggregate classification (germline): Uncertain significance (1 of 4 stars; one submission).

Allele frequency attached by ClinVar (database versions not stated): gnomAD exomes below 0.00001; ExAC 0.00001; gnomAD 0.00001; TOPMed 0.00002.
gnomAD v4.1: 9 of 1,609,262 alleles (0.00056%); highest among the groups gnomAD compares: African/African-American, 0.004%; no homozygotes.

Submission:

Labcorp Genetics (formerly Invitae), Labcorp
Classification: Uncertain significance. Last evaluated: 2023-09-08. Review status: criteria provided, single submitter. Criteria: Invitae Variant Classification Sherloc (09022015). Collection method: clinical testing. Allele origin: germline.
Comment: This variant is present in population databases (rs781260690, gnomAD 0.01%). In summary, the available evidence is currently insufficient to determine the role of this variant in disease. Therefore, it has been classified as a Variant of Uncertain Significance. An algorithm developed to predict the effect of missense changes on protein structure and function (PolyPhen-2) suggests that this variant is likely to be disruptive. This variant has not been reported in the literature in individuals affected with TNFRSF6B-related conditions. This sequence change replaces glycine, which is neutral and non-polar, with aspartic acid, which is acidic and polar, at codon 71 of the TNFRSF6B protein (p.Gly71Asp).

NM_003823.4(TNFRSF6B):c.212G>A (p.Gly71Asp)

Genes: RTEL1-TNFRSF6B (RTEL1-TNFRSF6B readthrough (NMD candidate); plus strand), TNFRSF6B (TNF receptor superfamily member 6b; plus strand). Cytogenetic location: 20q13.33.
Variant type: single nucleotide variant.
Coding change: c.212G>A on transcript NM_003823.4 (MANE Select); coding-DNA position 212, G replaced by A.
Protein change: p.Gly71Asp; replaces glycine 71 with aspartic acid.
Molecular consequence: missense variant. On other transcripts: non-coding transcript variant (1).
Genome position (GRCh38, 1-based): chr20:63,696,979, G>A. VCF-style: chr20-63696979-G-A. GRCh37 (hg19) VCF-style: chr20-62328332-G-A.
Other names: short protein forms G71D.
Identifiers: ClinVar variation 2775618 (VCV002775618.3), dbSNP rs781260690, ClinGen allele CA9966366.